The following is an entry in ClinVar:

ClinVar aggregate classification (germline): Uncertain significance (1 of 4 stars; one submission).

Submission:

Labcorp Genetics (formerly Invitae), Labcorp
Classification: Uncertain significance. Last evaluated: 2023-02-17. Review status: criteria provided, single submitter. Criteria: Invitae Variant Classification Sherloc (09022015). Collection method: clinical testing. Allele origin: germline.
Comment: This variant is not present in population databases (gnomAD no frequency). This variant has not been reported in the literature in individuals affected with HNF4A-related conditions. Advanced modeling of protein sequence and biophysical properties (such as structural, functional, and spatial information, amino acid conservation, physicochemical variation, residue mobility, and thermodynamic stability) has been performed at Invitae for this missense variant, however the output from this modeling did not meet the statistical confidence thresholds required to predict the impact of this variant on HNF4A protein function. In summary, the available evidence is currently insufficient to determine the role of this variant in disease. Therefore, it has been classified as a Variant of Uncertain Significance. This sequence change replaces cysteine, which is neutral and slightly polar, with tyrosine, which is neutral and polar, at codon 98 of the HNF4A protein (p.Cys98Tyr).

NM_175914.5(HNF4A):c.293G>A (p.Cys98Tyr)

Gene: HNF4A (hepatocyte nuclear factor 4 alpha; plus strand). Cytogenetic location: 20q13.12.
Variant type: single nucleotide variant.
Coding change: c.293G>A on transcript NM_175914.5 (MANE Select); coding-DNA position 293, G replaced by A.
Protein change: p.Cys98Tyr; replaces cysteine 98 with tyrosine.
Molecular consequence: missense variant.
Genome position (GRCh38, 1-based): chr20:44,407,449, G>A. VCF-style: chr20-44407449-G-A. GRCh37 (hg19) VCF-style: chr20-43036089-G-A.
Other names: c.359G>A, p.Cys120Tyr (NM_000457.6, NM_178849.3, NM_178850.3); c.293G>A, p.Cys98Tyr (NM_001030003.3, NM_001030004.3); c.338G>A, p.Cys113Tyr (NM_001258355.2); c.284G>A, p.Cys95Tyr (NM_001287182.2, NM_001287183.2, NM_001287184.2); short protein forms C98Y, C120Y, C113Y, C95Y.
Identifiers: ClinVar variation 2838411 (VCV002838411.3), dbSNP rs2515651134, ClinGen allele CA409104338.